The following is an entry in ClinVar:

NM_000038.6(APC):c.6454C>A (p.Pro2152Thr)

Gene: APC (APC regulator of Wnt signaling pathway; plus strand). Cytogenetic location: 5q22.2.
Variant type: single nucleotide variant.
Coding change: c.6454C>A on transcript NM_000038.6 (MANE Select); coding-DNA position 6454, C replaced by A.
Protein change: p.Pro2152Thr; replaces proline 2152 with threonine.
Molecular consequence: missense variant.
Genome position (GRCh38, 1-based): chr5:112,842,048, C>A. VCF-style: chr5-112842048-C-A. GRCh37 (hg19) VCF-style: chr5-112177745-C-A.
Other names: c.6454C>A, p.Pro2152Thr (NM_001127510.3, NM_001354895.2); c.6400C>A, p.Pro2134Thr (NM_001127511.3); c.6508C>A, p.Pro2170Thr (NM_001354896.2); c.6484C>A, p.Pro2162Thr (NM_001354897.2); c.6379C>A, p.Pro2127Thr (NM_001354898.2); c.6370C>A, p.Pro2124Thr (NM_001354899.2); c.6331C>A, p.Pro2111Thr (NM_001354900.2); c.6277C>A, p.Pro2093Thr (NM_001354901.2); and 5 more; short protein forms P2061T, P2124T, P2152T, P1992T, P2051T, P2162T, P1869T, P2026T.
Identifiers: ClinVar variation 954394 (VCV000954394.13), dbSNP rs1302886700, ClinGen allele CA16035450.
Genomic context (GRCh38, chr5:112,842,048, plus strand): 5'-TCAGATTCCATCCTTTCCCTGAAATCAGGAATCTCTCTGGGATCACCATTTCATCTTACA[C>A]CTGATCAAGAAGAAAAACCCTTTACAAGTAATAAAGGCCCACGAATTCTAAAACCAGGGG-3'
Protein context (NP_000029.2, residues 2142-2162): ISLGSPFHLT[Pro2152Thr]DQEEKPFTSN

ClinVar aggregate classification (germline): Uncertain significance. Review status: criteria provided, multiple submitters, no conflicts (2 of 4 stars). 3 submissions from 3 submitters: Uncertain significance (3). Last evaluated 2023-09-22.

Conditions:
Hereditary cancer-predisposing syndrome. Also called: Hereditary neoplastic syndrome; Tumor predisposition; Neoplastic Syndromes, Hereditary; Hereditary Cancer Syndrome. Identifiers: Orphanet 140162, MedGen C0027672, MeSH D009386, MONDO:0015356.
Familial adenomatous polyposis 1 (FAP1). Also called: FAMILIAL ADENOMATOUS POLYPOSIS 1, ATTENUATED; POLYPOSIS, ADENOMATOUS INTESTINAL. Identifiers: MedGen C2713442, MONDO:0021056, OMIM 175100. Disease mechanism: loss of function.

Allele frequency attached by ClinVar (database versions not stated): gnomAD exomes 0.00001; TOPMed 0.00002.
gnomAD v4.1: 7 of 1,613,186 alleles (0.00043%); highest among the groups gnomAD compares: Non-Finnish European, 0.00059%; no homozygotes.

Submissions (3):

Ambry Genetics
Classification: Uncertain significance for Hereditary cancer-predisposing syndrome. Last evaluated: 2023-09-22. Review status: criteria provided, single submitter. Criteria: Ambry Variant Classification Scheme 2023. Collection method: clinical testing. Allele origin: germline.
Comment: The p.P2152T variant (also known as c.6454C>A), located in coding exon 15 of the APC gene, results from a C to A substitution at nucleotide position 6454. The proline at codon 2152 is replaced by threonine, an amino acid with highly similar properties. This amino acid position is conserved. In addition, in silico predictors for this gene do not accurately predict pathogenicity. Since supporting evidence is limited at this time, the clinical significance of this alteration remains unclear.

GeneDx
Classification: Uncertain significance. Last evaluated: 2022-08-15. Review status: criteria provided, single submitter. Criteria: GeneDx Variant Classification Process June 2021. Collection method: clinical testing. Allele origin: germline. Affected: yes.
Comment: Not observed at significant frequency in large population cohorts (gnomAD); In silico analysis supports that this missense variant does not alter protein structure/function; Has not been previously published as pathogenic or benign to our knowledge

Labcorp Genetics (formerly Invitae), Labcorp
Classification: Uncertain significance for Familial adenomatous polyposis 1. Last evaluated: 2020-01-15. Review status: criteria provided, single submitter. Criteria: Invitae Variant Classification Sherloc (09022015). Collection method: clinical testing. Allele origin: germline.
Comment: Algorithms developed to predict the effect of missense changes on protein structure and function (SIFT, PolyPhen-2, Align-GVGD) all suggest that this variant is likely to be tolerated, but these predictions have not been confirmed by published functional studies and their clinical significance is uncertain. In summary, the available evidence is currently insufficient to determine the role of this variant in disease. Therefore, it has been classified as a Variant of Uncertain Significance. This variant has not been reported in the literature in individuals with APC-related conditions. This variant is not present in population databases (ExAC no frequency). This sequence change replaces proline with threonine at codon 2152 of the APC protein (p.Pro2152Thr). The proline residue is highly conserved and there is a small physicochemical difference between proline and threonine.